The following is an entry in ClinVar:

NM_018489.3(ASH1L):c.221C>T (p.Ser74Leu)

Gene: ASH1L (ASH1 like histone lysine methyltransferase; minus strand). Cytogenetic location: 1q22.
Variant type: single nucleotide variant.
Coding change: c.221C>T on transcript NM_018489.3 (MANE Select); coding-DNA position 221, C replaced by T.
Protein change: p.Ser74Leu; replaces serine 74 with leucine.
Molecular consequence: missense variant.
Genome position (GRCh38, 1-based): chr1:155,521,299, G>A on the plus strand (C>T on the coding strand, the complement: ASH1L is on the minus strand). VCF-style: chr1-155521299-G-A. GRCh37 (hg19) VCF-style: chr1-155491090-G-A.
Other names: c.221C>T, p.Ser74Leu (NM_001366177.2); c.221C>T (NM_018489.2); short protein forms S74L.
Identifiers: ClinVar variation 2439240 (VCV002439240.5), dbSNP rs769272721, ClinGen allele CA1147514.

ClinVar aggregate classification (germline): Conflicting classifications of pathogenicity. Review status: criteria provided, conflicting classifications (1 of 4 stars). 3 submissions from 3 submitters: Uncertain significance (2); Likely benign (1). Last evaluated 2026-04-10.

Conditions:
Intellectual developmental disorder, autosomal dominant 52. Also called: Intellectual disability, autosomal dominant 52; Mental retardation, autosomal dominant 52. Identifiers: MedGen C4540478, MONDO:0030918, OMIM 617796.

Allele frequency attached by ClinVar (database versions not stated): ExAC 0.00001; gnomAD exomes 0.00001; TOPMed 0.00002.
gnomAD v4.1: 10 of 1,614,076 alleles (0.00062%); highest among the groups gnomAD compares: South Asian, 0.0066%; no homozygotes.

Submissions (3):

Centre for Medical Genetics,  Mumbai
Classification: Likely benign for Intellectual developmental disorder, autosomal dominant 52. Last evaluated: 2026-04-10. Review status: criteria provided, single submitter. Criteria: ACMG Guidelines, 2015. Collection method: provider interpretation. Allele origin: germline. Inheritance: Autosomal dominant inheritance. Affected: no. Observed: 1 variant allele, 1 heterozygote.
Comment: The variant satisfies PM2 criteria - extremely low frequency in gnomAD population databases. The variant satisfies PP2 criteria - missense variant in a gene with low rate of benign missense mutations and for which missense mutation is a common mechanism of a disease. However, the variant satisfies BS2 criteria - present in heterozygous state in an individual that clinically does not have intellectual developmental disorder.

University of Washington Department of Laboratory Medicine, University of Washington
Classification: Uncertain significance for Intellectual developmental disorder, autosomal dominant 52. Last evaluated: 2023-03-15. Review status: criteria provided, single submitter. Criteria: ACMG Guidelines, 2015. Collection method: clinical testing. Allele origin: maternal. Affected: yes.
Comment: The p.Ser74Leu variant in the ASH1L gene has been previously reported in an individual with Tourette syndrome and was observed de novo in an individual with autism spectrum disorder (Wang 2016, Liu 2020). This variant has been submitted to ClinVar (Variation ID: 2439240,, VCV002439240.2) and has been identified in 1/208092 chromosomes by the Genome Aggregation Database. Using ACMG guidelines, this variant was classified as a variant of uncertain significance (ACMG evidence codes used: PS2_supporting, PM2_supporting).

Revvity Omics, Revvity
Classification: Uncertain significance for Intellectual developmental disorder, autosomal dominant 52. Last evaluated: 2019-05-31. Review status: criteria provided, single submitter. Criteria: ACMG Guidelines, 2015. Collection method: clinical testing. Allele origin: germline.

Literature cited by the submitters: PubMed 23033978 (cited by Centre for Medical Genetics,  Mumbai).